The following is an entry in ClinVar:

ClinVar aggregate classification (germline): Uncertain significance (1 of 4 stars; one submission).

Conditions:
Hereditary cancer-predisposing syndrome. Also called: Tumor predisposition; Hereditary neoplastic syndrome; Hereditary Cancer Syndrome; Neoplastic Syndromes, Hereditary. Identifiers: Orphanet 140162, MedGen C0027672, MeSH D009386, MONDO:0015356.

Submission:

Ambry Genetics
Classification: Uncertain significance for Hereditary cancer-predisposing syndrome. Last evaluated: 2025-04-11. Review status: criteria provided, single submitter. Criteria: Ambry Variant Classification Scheme 2023. Collection method: clinical testing. Allele origin: germline.
Comment: The p.K490E variant (also known as c.1468A>G), located in coding exon 10 of the RAD50 gene, results from an A to G substitution at nucleotide position 1468. The lysine at codon 490 is replaced by glutamic acid, an amino acid with similar properties. This amino acid position is conserved. In addition, this alteration is predicted to be tolerated by in silico analysis. Based on the available evidence, the clinical significance of this variant remains unclear.

NM_005732.4(RAD50):c.1468A>G (p.Lys490Glu)

Gene: RAD50 (RAD50 double strand break repair protein; plus strand). Cytogenetic location: 5q31.1.
Variant type: single nucleotide variant.
Coding change: c.1468A>G on transcript NM_005732.4 (MANE Select); coding-DNA position 1468, A replaced by G.
Protein change: p.Lys490Glu; replaces lysine 490 with glutamic acid.
Molecular consequence: missense variant.
Genome position (GRCh38, 1-based): chr5:132,591,239, A>G. VCF-style: chr5-132591239-A-G. GRCh37 (hg19) VCF-style: chr5-131926931-A-G.
Other names: short protein forms K490E.
Identifiers: ClinVar variation 3942167 (VCV003942167.1).